The following is an entry in ClinVar:

NM_212550.5(BLOC1S3):c.103_104inv (p.Glu35Ser)

Gene: BLOC1S3 (biogenesis of lysosomal organelles complex 1 subunit 3; plus strand). Cytogenetic location: 19q13.32.
Variant type: Inversion.
Coding change: c.103_104inv on transcript NM_212550.5 (MANE Select).
Protein change: p.Glu35Ser; replaces glutamic acid 35 with serine.
Molecular consequence: missense variant.
Genome position: GRCh38 VCF-style: chr19-45179399-GA-TC. GRCh37 (hg19) VCF-style: chr19-45682657-GA-TC.
Other names: short protein forms E35S.
Identifiers: ClinVar variation 1415524 (VCV001415524.5), ClinGen allele CA2573156449.

ClinVar aggregate classification (germline): Uncertain significance (1 of 4 stars; one submission).

Submission:

Labcorp Genetics (formerly Invitae), Labcorp
Classification: Uncertain significance. Last evaluated: 2022-08-10. Review status: criteria provided, single submitter. Criteria: Invitae Variant Classification Sherloc (09022015). Collection method: clinical testing. Allele origin: germline.
Comment: This sequence change replaces glutamic acid, which is acidic and polar, with serine, which is neutral and polar, at codon 35 of the BLOC1S3 protein (p.Glu35Ser). This variant is present in population databases (no rsID available, gnomAD 0.5%), including at least one homozygous and/or hemizygous individual. This variant has not been reported in the literature in individuals affected with BLOC1S3-related conditions. ClinVar contains an entry for this variant (Variation ID: 1415524). Algorithms developed to predict the effect of missense changes on protein structure and function are either unavailable or do not agree on the potential impact of this missense change (SIFT: "Not Available"; PolyPhen-2: "Possibly Damaging"; Align-GVGD: "Not Available"). In summary, the available evidence is currently insufficient to determine the role of this variant in disease. Therefore, it has been classified as a Variant of Uncertain Significance.